The following is an entry in ClinVar:

ClinVar aggregate classification (germline): Uncertain significance. Review status: criteria provided, multiple submitters, no conflicts (2 of 4 stars). 4 submissions from 4 submitters: Uncertain significance (4). Last evaluated 2026-06-19.

Conditions:
Cardiovascular phenotype. Identifiers: MedGen CN230736.
Dilated cardiomyopathy 1G (CMD1G). Identifiers: Orphanet 154, MedGen C1858763, MONDO:0011400, OMIM 604145.
Autosomal recessive limb-girdle muscular dystrophy type 2J (LGMDR10). Also called: MUSCULAR DYSTROPHY, LIMB-GIRDLE, AUTOSOMAL RECESSIVE 10; Limb-girdle muscular dystrophy, type 2J. Identifiers: Orphanet 140922, MedGen C1837342, MONDO:0012127, OMIM 608807.
Myopathy, myofibrillar, 9, with early respiratory failure (MFM9). Also called: Myopathy, distal, with early respiratory failure, autosomal dominant; EDSTROM MYOPATHY; Hereditary myopathy with early respiratory failure; MYOPATHY, PROXIMAL, WITH EARLY RESPIRATORY MUSCLE INVOLVEMENT. Identifiers: Orphanet 178464, Orphanet 34521, MedGen C1863599, MONDO:0011362, OMIM 603689.
Early-onset myopathy with fatal cardiomyopathy (CMYO5). Also called: CONGENITAL MYOPATHY 5 WITH CARDIOMYOPATHY; Salih Myopathy. Identifiers: Orphanet 289377, MedGen C2673677, MONDO:0012714, OMIM 611705. Disease mechanism: loss of function.
Hypertrophic cardiomyopathy 9. Also called: Familial hypertrophic cardiomyopathy 9. Identifiers: MedGen C1861065, MONDO:0013412, OMIM 613765.
Tibial muscular dystrophy (TMD). Also called: Udd Distal Myopathy – Tibial Muscular Dystrophy; Tibial muscular dystrophy, tardive; UDD MYOPATHY. Identifiers: Orphanet 609, MedGen C1838244, MONDO:0010870, OMIM 600334.
TTN-related disorder. Also called: TTN-related condition; TTN-related disease; TTN-related disorders.

Allele frequency attached by ClinVar (database versions not stated): gnomAD 0.00001; TOPMed 0.00001.
gnomAD v4.1: 24 of 1,613,260 alleles (0.0015%); highest among the groups gnomAD compares: Non-Finnish European, 0.0019%; no homozygotes.

Submissions (4):

PreventionGenetics, part of Exact Sciences
Classification: Uncertain significance for TTN-related condition. Last evaluated: 2026-06-19. Review status: criteria provided, single submitter. Criteria: ACMG Guidelines, 2015. Collection method: clinical testing. Allele origin: germline.
Comment: The TTN c.57387T>A variant is predicted to result in the amino acid substitution p.Asn19129Lys. To our knowledge, this variant has not been reported in the literature. This variant is reported in 0.0036% of alleles in individuals of European (Non-Finnish) descent in gnomAD. At this time, the clinical significance of this variant is uncertain due to the absence of conclusive functional and genetic evidence.

Fulgent Genetics
Classification: Uncertain significance for Tibial muscular dystrophy; Myopathy, myofibrillar, 9, with early respiratory failure; Dilated cardiomyopathy 1G; Autosomal recessive limb-girdle muscular dystrophy type 2J; Early-onset myopathy with fatal cardiomyopathy; Hypertrophic cardiomyopathy 9. Last evaluated: 2021-08-13. Review status: criteria provided, single submitter. Criteria: ACMG Guidelines, 2015. Collection method: clinical testing. Allele origin: unknown.

Ambry Genetics
Classification: Uncertain significance for Cardiovascular phenotype. Last evaluated: 2020-09-08. Review status: criteria provided, single submitter. Criteria: Ambry Variant Classification Scheme 2023. Collection method: clinical testing. Allele origin: germline.
Comment: The p.N10064K variant (also known as c.30192T>A), located in coding exon 121 of the TTN gene, results from a T to A substitution at nucleotide position 30192. The asparagine at codon 10064 is replaced by lysine, an amino acid with similar properties. This variant was detected in a cardiomyopathy genetic testing cohort; however, clinical details were limited, and additional cardiac variants were detected in some cases (van Lint FHM et al. Neth Heart J, 2019 Jun;27:304-309). This amino acid position is not well conserved in available vertebrate species. In addition, this alteration is predicted to be tolerated by in silico analysis. Since supporting evidence is limited at this time, the clinical significance of this alteration remains unclear.

Labcorp Genetics (formerly Invitae), Labcorp
Classification: Uncertain significance for Dilated cardiomyopathy 1G; Autosomal recessive limb-girdle muscular dystrophy type 2J. Last evaluated: 2017-12-15. Review status: criteria provided, single submitter. Criteria: Invitae Variant Classification Sherloc (09022015). Collection method: clinical testing. Allele origin: germline.

Literature cited by the submitters: PubMed 30847666 (cited by Ambry Genetics).

NM_001267550.2(TTN):c.57387T>A (p.Asn19129Lys)

Genes: TTN (titin; minus strand), TTN-AS1 (TTN antisense RNA 1; plus strand). Cytogenetic location: 2q31.2.
Variant type: single nucleotide variant.
Coding change: c.57387T>A on transcript NM_001267550.2 (MANE Select); coding-DNA position 57387, T replaced by A.
Protein change: p.Asn19129Lys; replaces asparagine 19129 with lysine.
Molecular consequence: missense variant.
Genome position (GRCh38, 1-based): chr2:178,597,695, A>T on the plus strand (T>A on the coding strand, the complement: TTN is on the minus strand). VCF-style: chr2-178597695-A-T. GRCh37 (hg19) VCF-style: chr2-179462422-A-T.
Other names: c.52464T>A, p.Asn17488Lys (NM_001256850.1); c.30192T>A, p.Asn10064Lys (NM_003319.4); c.49683T>A, p.Asn16561Lys (NM_133378.4); c.30567T>A, p.Asn10189Lys (NM_133432.3); c.30768T>A, p.Asn10256Lys (NM_133437.4); short protein forms N19129K, N10064K, N10189K, N10256K, N16561K, N17488K.
Identifiers: ClinVar variation 535323 (VCV000535323.7), dbSNP rs375305621, ClinGen allele CA1993054.